The following is an entry in ClinVar:

ClinVar aggregate classification (germline): Uncertain significance (1 of 4 stars; one submission).

Conditions:
Myopathy, proximal, and ophthalmoplegia (CMYO6). Also called: INCLUSION BODY MYOPATHY 3, AUTOSOMAL DOMINANT; MYOPATHY WITH CONGENITAL JOINT CONTRACTURES, OPHTHALMOPLEGIA, AND RIMMED VACUOLES; CONGENITAL MYOPATHY 6 WITH OPHTHALMOPLEGIA. Identifiers: Orphanet 363677, Orphanet 79091, MedGen C1854106, MONDO:0011577, OMIM 605637.

gnomAD v4.1: 1 of 1,613,880 alleles (0.000062%); no homozygotes.

Submission:

Labcorp Genetics (formerly Invitae), Labcorp
Classification: Uncertain significance for Myopathy, proximal, and ophthalmoplegia. Last evaluated: 2025-12-30. Review status: criteria provided, single submitter. Criteria: Invitae Variant Classification Sherloc (09022015). Collection method: clinical testing. Allele origin: germline.
Comment: This sequence change replaces isoleucine, which is neutral and non-polar, with leucine, which is neutral and non-polar, at codon 158 of the MYH2 protein (p.Ile158Leu). This variant is present in population databases (rs747657840, gnomAD 0.0009%). This variant has not been reported in the literature in individuals affected with MYH2-related conditions. ClinVar contains an entry for this variant (Variation ID: 3712128). Invitae Evidence Modeling of protein sequence and biophysical properties (such as structural, functional, and spatial information, amino acid conservation, physicochemical variation, residue mobility, and thermodynamic stability) has been performed for this missense variant. However, the output from this modeling did not meet the statistical confidence thresholds required to predict the impact of this variant on MYH2 protein function. In summary, the available evidence is currently insufficient to determine the role of this variant in disease. Therefore, it has been classified as a Variant of Uncertain Significance.

NM_017534.6(MYH2):c.472A>C (p.Ile158Leu)

Genes: MYH2 (myosin heavy chain 2; minus strand), MYHAS (myosin heavy chain gene cluster antisense RNA; plus strand). Cytogenetic location: 17p13.1.
Variant type: single nucleotide variant.
Coding change: c.472A>C on transcript NM_017534.6 (MANE Select); coding-DNA position 472, A replaced by C.
Protein change: p.Ile158Leu; replaces isoleucine 158 with leucine.
Molecular consequence: missense variant.
Genome position (GRCh38, 1-based): chr17:10,545,379, T>G on the plus strand (A>C on the coding strand, the complement: MYH2 is on the minus strand). VCF-style: chr17-10545379-T-G. GRCh37 (hg19) VCF-style: chr17-10448696-T-G.
Other names: c.472A>C, p.Ile158Leu (NM_001100112.2); short protein forms I158L.
Identifiers: ClinVar variation 3712128 (VCV003712128.2).